The following is an entry in ClinVar:

NM_000238.4(KCNH2):c.1426G>A (p.Val476Ile)

Gene: KCNH2 (potassium voltage-gated channel subfamily H member 2; minus strand). Cytogenetic location: 7q36.1.
Variant type: single nucleotide variant.
Coding change: c.1426G>A on transcript NM_000238.4 (MANE Select); coding-DNA position 1426, G replaced by A.
Protein change: p.Val476Ile; replaces valine 476 with isoleucine.
Molecular consequence: missense variant.
Genome position (GRCh38, 1-based): chr7:150,952,556, C>T on the plus strand (G>A on the coding strand, the complement: KCNH2 is on the minus strand). VCF-style: chr7-150952556-C-T. GRCh37 (hg19) VCF-style: chr7-150649644-C-T.
Other names: c.1426G>A (LRG_288t1); c.406G>A, p.Val136Ile (NM_001204798.2, NM_172057.3); c.1138G>A, p.Val380Ile (NM_001406753.1, NM_001406756.1); c.1249G>A, p.Val417Ile (NM_001406755.1); c.1126G>A, p.Val376Ile (NM_001406757.1); c.1426G>A, p.Val476Ile (NM_172056.3); short protein forms V136I, V476I, V376I, V417I, V380I.
Identifiers: ClinVar variation 67200 (VCV000067200.20), dbSNP rs199472908, ClinGen allele CA004631.
Genomic context (GRCh38, chr7:150,952,556, plus strand): 5'-CCTTGAAGTAGTGGACGGCGATGCGGCCGGGGTGGCTGACCACCTCCTCGTTGGCATTGA[C>T]GTAGGTGGTGCGGAAGTTGATGAGGATGTCCACAATGAACATGATGTCCACGATGAGGTC-3'
Protein context (NP_000229.1, residues 466-486): DILINFRTTY[Val476Ile]NANEEVVSHP

ClinVar aggregate classification (germline): Uncertain significance. Review status: criteria provided, multiple submitters, no conflicts (2 of 4 stars). 7 submissions from 7 submitters: Uncertain significance (6). 1 of the submissions does not count toward it. Last evaluated 2025-07-14.

Conditions:
Cardiac arrhythmia. Also called: Arrhythmia; Cardiac rhythm disease. Identifiers: MedGen C0003811, MONDO:0007263, HP:0011675.
Cardiovascular phenotype. Identifiers: MedGen CN230736.
Familial long QT syndrome (RWS). Also called: Congenital long QT syndrome; Romano-Ward syndrome; VENTRICULAR FIBRILLATION WITH PROLONGED QT INTERVAL. Identifiers: Orphanet 768, MedGen C1141890, MONDO:0019171.
Long QT syndrome (LQTS). Identifiers: MedGen C0023976, MeSH D008133, MONDO:0002442. Disease mechanism: loss of function. Inheritance: Various modes of inheritance.
Short QT syndrome type 1. Identifiers: Orphanet 51083, MedGen C1865020, MONDO:0012312, OMIM 609620.
Long QT syndrome 2 (LQT2). Identifiers: Orphanet 101016, Orphanet 768, MedGen C3150943, MONDO:0013367, OMIM 613688.

Allele frequency attached by ClinVar (database versions not stated): TOPMed 0.00001; gnomAD 0.00001; gnomAD exomes 0.00001.
gnomAD v4.1: 22 of 1,614,052 alleles (0.0014%); highest among the groups gnomAD compares: Middle Eastern, 0.016%; no homozygotes.

Submissions (7):

Labcorp Genetics (formerly Invitae), Labcorp
Classification: Uncertain significance for Long QT syndrome. Last evaluated: 2025-07-14. Review status: criteria provided, single submitter. Criteria: Invitae Variant Classification Sherloc (09022015). Collection method: clinical testing. Allele origin: germline.
Comment: This sequence change replaces valine, which is neutral and non-polar, with isoleucine, which is neutral and non-polar, at codon 476 of the KCNH2 protein (p.Val476Ile). This variant is present in population databases (rs199472908, gnomAD 0.003%). This missense change has been observed in individual(s) with clinical features of KCNH2-related conditions (PMID: 19716085). ClinVar contains an entry for this variant (Variation ID: 67200). An algorithm developed to predict the effect of missense changes on protein structure and function (PolyPhen-2) suggests that this variant is likely to be disruptive. Experimental studies have shown that this missense change does not substantially affect KCNH2 function (PMID: 36339618). In summary, the available evidence is currently insufficient to determine the role of this variant in disease. Therefore, it has been classified as a Variant of Uncertain Significance.

Color Diagnostics, LLC DBA Color Health
Classification: Uncertain significance for Cardiac arrhythmia. Last evaluated: 2024-06-12. Review status: criteria provided, single submitter. Criteria: ACMG Guidelines, 2015. Collection method: clinical testing. Allele origin: germline.
Comment: This missense variant replaces valine with isoleucine at codon 476 of the KCNH2 protein. This variant is found within a highly conserved transmembrane region (aa 472-495). Rare non-truncating variants in this region have been shown to be significantly overrepresented in individuals with long QT syndrome (PMID: 32893267). Computational prediction suggests that this variant may have deleterious impact on protein structure and function (internally defined REVEL score threshold >= 0.7, PMID: 27666373). A functional study has shown that this variant does not cause trafficking deficits in transfected HEK293 cells (PMID: 36339618). This variant has been reported in one individual referred for long QT syndrome genetic testing (PMID: 19716085). This variant has been identified in 2/251476 chromosomes in the general population by the Genome Aggregation Database (gnomAD). The available evidence is insufficient to determine the role of this variant in disease conclusively. Therefore, this variant is classified as a Variant of Uncertain Significance.

All of Us Research Program, National Institutes of Health
Classification: Uncertain significance for Long QT syndrome. Last evaluated: 2023-12-18. Review status: criteria provided, single submitter. Criteria: ACMG Guidelines, 2015. Collection method: clinical testing. Allele origin: germline. Inheritance: Autosomal dominant inheritance. Observed: 7 variant alleles, 7 heterozygotes.
Comment: This missense variant replaces valine with isoleucine at codon 476 of the KCNH2 protein. Computational prediction suggests that this variant may have deleterious impact on protein structure and function (internally defined REVEL score threshold >= 0.7, PMID: 27666373). A functional study has shown that this variant does not cause trafficking deficits in transfected HEK293 cells (PMID: 36339618). This variant has been reported in one individual referred for long QT syndrome genetic testing (PMID: 19716085). This variant has been identified in 2/251476 chromosomes in the general population by the Genome Aggregation Database (gnomAD). The available evidence is insufficient to determine the role of this variant in disease conclusively. Therefore, this variant is classified as a Variant of Uncertain Significance.

This study involves interpretation of variants in research participants for the purpose of population health screening. Participant phenotype was not available at the time of variant classification. Additional details can be found in publication PMID: 35346344, PMCID: PMC8962531

Ambry Genetics
Classification: Uncertain significance for Cardiovascular phenotype. Last evaluated: 2023-03-21. Review status: criteria provided, single submitter. Criteria: Ambry General Variant Classification Scheme_2022. Collection method: clinical testing. Allele origin: germline.
Comment: The p.V476I variant (also known as c.1426G>A), located in coding exon 6 of the KCNH2 gene, results from a G to A substitution at nucleotide position 1426. The valine at codon 476 is replaced by isoleucine, an amino acid with highly similar properties. This variant has been detected in a case from a long QT genetic testing cohort (Kapplinger JD et al. Heart Rhythm, 2009 Sep;6:1297-303). One study suggested this variant may not significantly impact protein trafficking (Zhang Y et al. Front Pharmacol, 2022 Oct;13:1010119). This amino acid position is highly conserved in available vertebrate species. In addition, this alteration is predicted to be deleterious by in silico analysis. Since supporting evidence is limited at this time, the clinical significance of this alteration remains unclear.

Fulgent Genetics
Classification: Uncertain significance for Short QT syndrome type 1; Long QT syndrome 2. Last evaluated: 2021-08-13. Review status: criteria provided, single submitter. Criteria: ACMG Guidelines, 2015. Collection method: clinical testing. Allele origin: unknown.

Laboratory for Molecular Medicine, Mass General Brigham Personalized Medicine
Classification: Uncertain significance. Last evaluated: 2016-10-20. Review status: criteria provided, single submitter. Criteria: LMM Criteria. Collection method: clinical testing. Allele origin: germline.
Comment: Variant identified in a genome or exome case(s) and assessed due to predicted null impact of the variant or pathogenic assertions in the literature or databases. Disclaimer: This variant has not undergone full assessment.

Cardiovascular Biomedical Research Unit, Royal Brompton & Harefield NHS Foundation Trust
No classification provided. Condition: Familial long QT syndrome. Review status: no classification provided. Collection method: literature only. Allele origin: germline. Not counted in ClinVar's aggregate classification.
Comment: This variant has been reported as associated with Long QT syndrome in the following publications (PMID:19716085). This is a literature report, and does not necessarily reflect the clinical interpretation of the Imperial College / Royal Brompton Cardiovascular Genetics laboratory.

Literature cited by the submitters: PubMed 19716085 (cited by 5 submitters); PubMed 36339618 (cited by 4 submitters); PubMed 32893267 (cited by Color Diagnostics, LLC DBA Color Health); PubMed 35932045 (cited by Ambry Genetics); PubMed 22581653 (cited by Cardiovascular Biomedical Research Unit, Royal Brompton & Harefield NHS Foundation Trust).